The following is an entry in ClinVar:

NM_004453.4(ETFDH):c.1828G>A (p.Gly610Arg)

Gene: ETFDH (electron transfer flavoprotein dehydrogenase; plus strand). Cytogenetic location: 4q32.1.
Variant type: single nucleotide variant.
Coding change: c.1828G>A on transcript NM_004453.4 (MANE Select); coding-DNA position 1828, G replaced by A.
Protein change: p.Gly610Arg; replaces glycine 610 with arginine.
Molecular consequence: missense variant.
Genome position (GRCh38, 1-based): chr4:158,708,501, G>A. VCF-style: chr4-158708501-G-A. GRCh37 (hg19) VCF-style: chr4-159629653-G-A.
Other names: c.1687G>A, p.Gly563Arg (NM_001281737.2); c.1645G>A, p.Gly549Arg (NM_001281738.1); c.1828G>A (NM_004453.3); short protein forms G610R, G563R, G549R.
Identifiers: ClinVar variation 1519846 (VCV001519846.9), dbSNP rs2126321296, ClinGen allele CA358566944.

ClinVar aggregate classification (germline): Pathogenic/Likely pathogenic. Review status: criteria provided, multiple submitters, no conflicts (2 of 4 stars). 2 submissions from 2 submitters: Pathogenic (1); Likely pathogenic (1). Last evaluated 2026-01-28.

Conditions:
Glutaric acidemia type 2C.
Multiple acyl-CoA dehydrogenase deficiency (MADD). Also called: Glutaric Acidemia type 2; ETHYLMALONIC-ADIPICACIDURIA; GA II; Glutaric acidemia type II; GA 2; Glutaric aciduria, type 2. Identifiers: Orphanet 26791, MedGen C0268596, MONDO:0009282, OMIM 231680.

Submissions (2):

Labcorp Genetics (formerly Invitae), Labcorp
Classification: Pathogenic for Multiple acyl-CoA dehydrogenase deficiency. Last evaluated: 2026-01-28. Review status: criteria provided, single submitter. Criteria: Invitae Variant Classification Sherloc (09022015). Collection method: clinical testing. Allele origin: germline.
Comment: This sequence change replaces glycine, which is neutral and non-polar, with arginine, which is basic and polar, at codon 610 of the ETFDH protein (p.Gly610Arg). This variant is not present in population databases (gnomAD no frequency). This missense change has been observed in individual(s) with multiple Acyl-CoA dehydrogenase deficiency (PMID: 24522293, 35309592; internal data). In at least one individual the data is consistent with being in trans (on the opposite chromosome) from a pathogenic variant. ClinVar contains an entry for this variant (Variation ID: 1519846). Invitae Evidence Modeling of protein sequence and biophysical properties (such as structural, functional, and spatial information, amino acid conservation, physicochemical variation, residue mobility, and thermodynamic stability) indicates that this missense variant is expected to disrupt ETFDH protein function with a positive predictive value of 80%. Studies have shown that this missense change alters ETFDH gene expression (PMID: 24522293). For these reasons, this variant has been classified as Pathogenic.

Natera, Inc.
Classification: Likely pathogenic for Glutaric acidemia type 2C. Last evaluated: 2024-02-27. Review status: criteria provided, single submitter. Criteria: Natera Variant Classification Schema (03/2026). Collection method: clinical testing. Allele origin: germline.
Comment: The c.1828G>A variant in ETFDH is a missense variant predicted to cause substitution of glycine to arginine at amino acid 610. This variant is rare in the general population with a frequency below the threshold expected for the associated phenotype(s). This variant has been observed in one or more individuals affected with the associated recessive disease, as either homozygous or compound heterozygous with a second variant (PMID: 24522293, 30681493). This variant has been identified in one or more affected individuals with a phenotype highly consistent with the associated gene (PMID: 24522293, 30681493). Computational prediction algorithms indicate this variant is likely to affect gene or protein function. Given the available evidence, this variant is classified as Likely Pathogenic.

Literature cited by the submitters: PubMed 24522293 (cited by Labcorp Genetics (formerly Invitae), Labcorp and Natera, Inc.); PubMed 35309592 (cited by Labcorp Genetics (formerly Invitae), Labcorp); PubMed 30681493 (cited by Natera, Inc.).